The following is an entry in ClinVar:

NM_001273.5(CHD4):c.1483-5C>T

Gene: CHD4 (chromodomain helicase DNA binding protein 4; minus strand). Cytogenetic location: 12p13.31.
Variant type: single nucleotide variant.
Coding change: c.1483-5C>T on transcript NM_001273.5 (MANE Select); 5 bases into the intron before coding-DNA position 1483, C replaced by T.
Molecular consequence: intron variant.
Genome position (GRCh38, 1-based): chr12:6,598,430, G>A on the plus strand (C>T on the coding strand, the complement: CHD4 is on the minus strand). VCF-style: chr12-6598430-G-A. GRCh37 (hg19) VCF-style: chr12-6707596-G-A.
Other names: c.1444-5C>T (NM_001363606.2); c.1462-5C>T (NM_001297553.2); c.1483-5C>T (NM_001273.3).
Identifiers: ClinVar variation 1573678 (VCV001573678.12), dbSNP rs139702202, ClinGen allele CA6412214.

ClinVar aggregate classification (germline): Benign. Review status: criteria provided, multiple submitters, no conflicts (2 of 4 stars). 4 submissions from 4 submitters: Benign (3). 1 of the submissions does not count toward it. Last evaluated 2026-02-02.

Conditions:
CHD4-related disorder. Also called: CHD4-related condition.

Allele frequency attached by ClinVar (database versions not stated): ESP Exome Variant Server 0.00492; 1000 Genomes Project 30x 0.00953; 1000 Genomes Project 0.00978; gnomAD 0.01036 and 0.01093.
gnomAD v4.1: 18,011 of 1,579,840 alleles (1.1%); highest among the groups gnomAD compares: Admixed American, 5.3%; 253 homozygotes.

Submissions (4):

Labcorp Genetics (formerly Invitae), Labcorp
Classification: Benign. Last evaluated: 2026-02-02. Review status: criteria provided, single submitter. Criteria: Invitae Variant Classification Sherloc (09022015). Collection method: clinical testing. Allele origin: germline.

Blueprint Genetics
Classification: Benign. Last evaluated: 2024-11-27. Review status: criteria provided, single submitter. Criteria: ACMG Guidelines, 2015. Collection method: clinical testing. Allele origin: germline.

Breakthrough Genomics
Classification: Benign. Review status: criteria provided, single submitter. Criteria: ACMG Guidelines, 2015. Collection method: not provided. Allele origin: germline. Inheritance: Autosomal dominant inheritance. Affected: yes.

PreventionGenetics, part of Exact Sciences
Classification: Benign for CHD4-related condition. Last evaluated: 2019-07-24. Review status: no assertion criteria provided. Collection method: clinical testing. Allele origin: germline. Not counted in ClinVar's aggregate classification.
Comment: This variant is classified as benign based on ACMG/AMP sequence variant interpretation guidelines (Richards et al. 2015 PMID: 25741868, with internal and published modifications).